The following is an entry in ClinVar:

ClinVar aggregate classification (germline): Uncertain significance (1 of 4 stars; one submission).

Conditions:
PHGDH deficiency. Identifiers: Orphanet 79351, MedGen C1866174, MONDO:0011152, OMIM 601815.

Allele frequency attached by ClinVar (database versions not stated): TOPMed below 0.00001; gnomAD 0.00001 and 0.00003; gnomAD exomes 0.00001 and 0.00003; ExAC 0.00003; 1000 Genomes Project 30x 0.00031; 1000 Genomes Project 0.00040.
gnomAD v4.1: 9 of 1,614,198 alleles (0.00056%); highest among the groups gnomAD compares: East Asian, 0.018%; no homozygotes.

Submission:

Labcorp Genetics (formerly Invitae), Labcorp
Classification: Uncertain significance for PHGDH deficiency. Last evaluated: 2022-07-12. Review status: criteria provided, single submitter. Criteria: Invitae Variant Classification Sherloc (09022015). Collection method: clinical testing. Allele origin: germline.
Comment: This sequence change replaces valine, which is neutral and non-polar, with leucine, which is neutral and non-polar, at codon 9 of the PHGDH protein (p.Val9Leu). This variant is present in population databases (rs199784256, gnomAD 0.04%). This variant has not been reported in the literature in individuals affected with PHGDH-related conditions. ClinVar contains an entry for this variant (Variation ID: 1424885). Algorithms developed to predict the effect of missense changes on protein structure and function are either unavailable or do not agree on the potential impact of this missense change (SIFT: "Tolerated"; PolyPhen-2: "Possibly Damaging"; Align-GVGD: "Class C0"). In summary, the available evidence is currently insufficient to determine the role of this variant in disease. Therefore, it has been classified as a Variant of Uncertain Significance.

NM_006623.4(PHGDH):c.25G>C (p.Val9Leu)

Gene: PHGDH (phosphoglycerate dehydrogenase; plus strand). Cytogenetic location: 1p12.
Variant type: single nucleotide variant.
Coding change: c.25G>C on transcript NM_006623.4 (MANE Select); coding-DNA position 25, G replaced by C.
Protein change: p.Val9Leu; replaces valine 9 with leucine.
Molecular consequence: missense variant.
Genome position (GRCh38, 1-based): chr1:119,712,047, G>C. VCF-style: chr1-119712047-G-C. GRCh37 (hg19) VCF-style: chr1-120254670-G-C.
Other names: short protein forms V9L.
Identifiers: ClinVar variation 1424885 (VCV001424885.5), dbSNP rs199784256, ClinGen allele CA1036902.
Genomic context (GRCh38, chr1:119,712,047, plus strand): 5'-TACTCACAGCGGCCGATTCCGAGGCCAACTCCAGCAATGGCTTTTGCAAATCTGCGGAAA[G>C]TGCTCATCAGTGACAGCCTGGACCCTTGCTGCCGGAAGATCTTGCAAGATGGAGGGCTGC-3'
Protein context (NP_006614.2, residues 1-19): MAFANLRK[Val9Leu]LISDSLDPCC